The following is an entry in ClinVar:

ClinVar aggregate classification (germline): Benign. Review status: criteria provided, multiple submitters, no conflicts (2 of 4 stars). 2 submissions from 2 submitters: Benign (2). Last evaluated 2018-01-13.

Conditions:
Leukodystrophy, hypomyelinating, 8, with or without oligodontia and/or hypogonadotropic hypogonadism. Also called: LEUKODYSTROPHY, HYPOMYELINATING, 8, WITH HYPODONTIA AND HYPOGONADOTROPIC HYPOGONADISM; Hypomyelinating leukodystrophy 8 with or without oligodontia and-or hypogonadotropic hypogonadism; Endosteal sclerosis-cerebellar hypoplasia syndrome. Identifiers: Orphanet 85186, Orphanet 88637, MedGen C3280644, MONDO:0013722, OMIM 614381.

Allele frequency attached by ClinVar (database versions not stated): TOPMed 0.24932; gnomAD 0.25491 and 0.24463; 1000 Genomes Project 30x 0.31059; 1000 Genomes Project 0.32488.
gnomAD v4.1: 60,470 of 222,736 alleles (27%); highest among the groups gnomAD compares: East Asian, 68%; 10,355 homozygotes.

Submissions (2):

Illumina Laboratory Services, Illumina
Classification: Benign for Leukodystrophy, hypomyelinating, 8, with or without oligodontia and/or hypogonadotropic hypogonadism. Last evaluated: 2018-01-13. Review status: criteria provided, single submitter. Criteria: ICSL Variant Classification Criteria 13 December 2019. Collection method: clinical testing. Allele origin: germline.
Comment: This variant was observed in the ICSL laboratory as part of a predisposition screen in an ostensibly healthy population. It had not been previously curated by ICSL or reported in the Human Gene Mutation Database (HGMD: prior to June 1st, 2018), and was therefore a candidate for classification through an automated scoring system. Utilizing variant allele frequency, disease prevalence and penetrance estimates, and inheritance mode, an automated score was calculated to assess if this variant is too frequent to cause the disease. Based on the score and internal cut-off values, a variant classified as benign is not then subjected to further curation. The score for this variant resulted in a classification of benign for this disease.

Breakthrough Genomics
Classification: Benign. Review status: criteria provided, single submitter. Criteria: ACMG Guidelines, 2015. Collection method: not provided. Allele origin: germline. Inheritance: Autosomal recessive inheritance. Affected: yes.

NM_018082.6(POLR3B):c.*347A>G

Genes: POLR3B (RNA polymerase III subunit B; plus strand), RFX4-AS1 (RFX4 antisense RNA 1; minus strand). Cytogenetic location: 12q23.3.
Variant type: single nucleotide variant.
Coding change: c.*347A>G on transcript NM_018082.6 (MANE Select); 347 bases downstream of the stop codon, A replaced by G.
Molecular consequence: 3 prime UTR variant.
Genome position (GRCh38, 1-based): chr12:106,509,896, A>G. VCF-style: chr12-106509896-A-G. GRCh37 (hg19) VCF-style: chr12-106903674-A-G.
Other names: c.*347A>G (NM_001160708.2).
Identifiers: ClinVar variation 306955 (VCV000306955.6), dbSNP rs2288266, ClinGen allele CA10640731.
Genomic context (GRCh38, chr12:106,509,896, plus strand): 5'-TGATCTCTTGACATTCACTCATTAGAAGACCTTACTCCTTCAAGCAAATGTTTGGGGTCA[A>G]ATTTACCATATCTTCTGGCTAACCATATTCAAGATTCTTCTGAAACTTGGAGGATGTAAA-3'